The following is an entry in ClinVar:

ClinVar aggregate classification (germline): Conflicting classifications of pathogenicity. Review status: criteria provided, conflicting classifications (1 of 4 stars). 3 submissions from 3 submitters: Uncertain significance (2); Likely benign (1). Last evaluated 2025-11-13.

Conditions:
Inborn genetic diseases. Identifiers: MedGen C0950123, MeSH D030342.
SLC12A2-related disorder. Also called: SLC12A2-related disorders; SLC12A2-related condition.

Allele frequency attached by ClinVar (database versions not stated): ExAC 0.00017; gnomAD exomes 0.00018 and 0.00026; ESP Exome Variant Server 0.00023; TOPMed 0.00029; gnomAD 0.00038 and 0.00040.
gnomAD v4.1: 443 of 1,613,034 alleles (0.027%); highest among the groups gnomAD compares: Admixed American, 0.068%; 1 homozygote.

Submissions (3):

PreventionGenetics, part of Exact Sciences
Classification: Uncertain significance for SLC12A2-related condition. Last evaluated: 2025-11-13. Review status: criteria provided, single submitter. Criteria: ACMG Guidelines, 2015. Collection method: clinical testing. Allele origin: germline.
Comment: The SLC12A2 c.839A>G variant is predicted to result in the amino acid substitution p.Lys280Arg. This variant has been reported in 15 individuals from a cohort of patients with CFTR-like symptoms (Koumangoye et al. 2020. PubMed ID: 33345190). This variant is reported in 0.040% of alleles in individuals of Latino descent in gnomAD, including one homozygote. At this time, the clinical significance of this variant is uncertain due to the absence of conclusive functional and genetic evidence.

Labcorp Genetics (formerly Invitae), Labcorp
Classification: Likely benign. Last evaluated: 2025-04-03. Review status: criteria provided, single submitter. Criteria: Invitae Variant Classification Sherloc (09022015). Collection method: clinical testing. Allele origin: germline.

Ambry Genetics
Classification: Uncertain significance for Inborn genetic diseases. Last evaluated: 2022-06-23. Review status: criteria provided, single submitter. Criteria: Ambry Variant Classification Scheme 2023. Collection method: clinical testing. Allele origin: germline.
Comment: Unlikely to be causative of SLC12A2-related deafness (AD). Based on insufficient or conflicting evidence, the clinical significance of this alteration remains unclear.

Literature cited by the submitters: PubMed 33345190 (cited by Ambry Genetics).

NM_001046.3(SLC12A2):c.839A>G (p.Lys280Arg)

Gene: SLC12A2 (solute carrier family 12 member 2; plus strand). Cytogenetic location: 5q23.3.
Variant type: single nucleotide variant.
Coding change: c.839A>G on transcript NM_001046.3 (MANE Select); coding-DNA position 839, A replaced by G.
Protein change: p.Lys280Arg; replaces lysine 280 with arginine.
Molecular consequence: missense variant. On other transcripts: non-coding transcript variant (1).
Genome position (GRCh38, 1-based): chr5:128,112,896, A>G. VCF-style: chr5-128112896-A-G. GRCh37 (hg19) VCF-style: chr5-127448588-A-G.
Other names: c.839A>G (NM_001046.2); c.839A>G, p.Lys280Arg (NM_001256461.2); short protein forms K280R.
Identifiers: ClinVar variation 1671682 (VCV001671682.10), dbSNP rs146381223, ClinGen allele CA3392907.
Genomic context (GRCh38, chr5:128,112,896, plus strand): 5'-CAAATGGGGAAGAAAGTACTCCAACCAGAGATGCTGTGGTCACGTATACTGCAGAAAGTA[A>G]AGGAGTCGTGAAGTTTGGCTGGATCAAGGGTGTATTAGTATGTATATATAGACTTAATTT-3'
Protein context (NP_001037.1, residues 270-290): DAVVTYTAES[Lys280Arg]GVVKFGWIKG